The following is an entry in ClinVar:

ClinVar aggregate classification (germline): Benign/Likely benign. Review status: criteria provided, multiple submitters, no conflicts (2 of 4 stars). 4 submissions from 4 submitters: Benign (2); Likely benign (2). Last evaluated 2021-12-05.

Conditions:
Myopathy, lactic acidosis, and sideroblastic anemia 2 (MLASA2). Identifiers: Orphanet 2598, MedGen C3150802, MONDO:0013307, OMIM 613561.

Allele frequency attached by ClinVar (database versions not stated): TOPMed 0.02129; 1000 Genomes Project 0.02276; 1000 Genomes Project 30x 0.02483; gnomAD exomes 0.02563.
gnomAD v4.1: 3,820 of 174,954 alleles (2.2%); highest among the groups gnomAD compares: South Asian, 4.6%; 67 homozygotes.

Submissions (4):

Genome-Nilou Lab
Classification: Benign for Myopathy, lactic acidosis, and sideroblastic anemia 2. Last evaluated: 2021-12-05. Review status: criteria provided, single submitter. Criteria: ACMG Guidelines, 2015. Collection method: clinical testing. Allele origin: germline. Affected: no.

GeneDx
Classification: Likely benign. Last evaluated: 2021-05-19. Review status: criteria provided, single submitter. Criteria: GeneDx Variant Classification Process June 2021. Collection method: clinical testing. Allele origin: germline. Affected: yes.

Illumina Laboratory Services, Illumina
Classification: Benign for Myopathy, lactic acidosis, and sideroblastic anemia 2. Last evaluated: 2018-01-13. Review status: criteria provided, single submitter. Criteria: ICSL Variant Classification Criteria 13 December 2019. Collection method: clinical testing. Allele origin: germline.
Comment: This variant was observed in the ICSL laboratory as part of a predisposition screen in an ostensibly healthy population. It had not been previously curated by ICSL or reported in the Human Gene Mutation Database (HGMD: prior to June 1st, 2018), and was therefore a candidate for classification through an automated scoring system. Utilizing variant allele frequency, disease prevalence and penetrance estimates, and inheritance mode, an automated score was calculated to assess if this variant is too frequent to cause the disease. Based on the score and internal cut-off values, a variant classified as benign is not then subjected to further curation. The score for this variant resulted in a classification of benign for this disease.

Breakthrough Genomics
Classification: Likely benign. Review status: criteria provided, single submitter. Criteria: ACMG Guidelines, 2015. Collection method: not provided. Allele origin: germline. Inheritance: Autosomal recessive inheritance. Affected: yes.

NM_001040436.3(YARS2):c.*406C>T

Gene: YARS2 (tyrosyl-tRNA synthetase 2; minus strand). Cytogenetic location: 12p11.21.
Variant type: single nucleotide variant.
Coding change: c.*406C>T on transcript NM_001040436.3 (MANE Select); 406 bases downstream of the stop codon, C replaced by T.
Molecular consequence: 3 prime UTR variant.
Genome position (GRCh38, 1-based): chr12:32,746,798, G>A on the plus strand (C>T on the coding strand, the complement: YARS2 is on the minus strand). VCF-style: chr12-32746798-G-A. GRCh37 (hg19) VCF-style: chr12-32899732-G-A.
Identifiers: ClinVar variation 308441 (VCV000308441.9), dbSNP rs145618550, ClinGen allele CA10637279.